The following is an entry in ClinVar:

NM_006612.6(KIF1C):c.1115G>A (p.Arg372Gln)

Gene: KIF1C (kinesin family member 1C; plus strand). Cytogenetic location: 17p13.2.
Variant type: single nucleotide variant.
Coding change: c.1115G>A on transcript NM_006612.6 (MANE Select); coding-DNA position 1115, G replaced by A.
Protein change: p.Arg372Gln; replaces arginine 372 with glutamine.
Molecular consequence: missense variant.
Genome position (GRCh38, 1-based): chr17:5,004,950, G>A. VCF-style: chr17-5004950-G-A. GRCh37 (hg19) VCF-style: chr17-4908245-G-A.
Other names: short protein forms R372Q.
Identifiers: ClinVar variation 655191 (VCV000655191.7), dbSNP rs367997542, ClinGen allele CA8318868.
Genomic context (GRCh38, chr17:5,004,950, plus strand): 5'-CCATCATCAACGAGGACCCTAATGCCCGGCTGATTAGAGAGCTGCAGGAGGAAGTAGCCC[G>A]GCTGCGGGAACTGCTGATGGCTCAGGGACTGTCAGCCTCTGCTCTGGAAGGTCGAGGTTC-3'
Protein context (NP_006603.2, residues 362-382): LIRELQEEVA[Arg372Gln]LRELLMAQGL

ClinVar aggregate classification (germline): Uncertain significance (1 of 4 stars; one submission).

Conditions:
Spastic ataxia 2. Also called: Ataxia, spastic, 2, autosomal recessive. Identifiers: Orphanet 397946, MedGen C1969796, MONDO:0012651, OMIM 611302.

Allele frequency attached by ClinVar (database versions not stated): TOPMed 0.00003; gnomAD exomes 0.00004 and 0.00002; ExAC 0.00005; gnomAD 0.00001; ESP Exome Variant Server 0.00008.
gnomAD v4.1: 28 of 1,614,108 alleles (0.0017%); highest among the groups gnomAD compares: Admixed American, 0.01%; no homozygotes.

Submission:

Labcorp Genetics (formerly Invitae), Labcorp
Classification: Uncertain significance for Spastic ataxia 2. Last evaluated: 2025-10-21. Review status: criteria provided, single submitter. Criteria: Invitae Variant Classification Sherloc (09022015). Collection method: clinical testing. Allele origin: germline.
Comment: This sequence change replaces arginine, which is basic and polar, with glutamine, which is neutral and polar, at codon 372 of the KIF1C protein (p.Arg372Gln). This variant is present in population databases (rs367997542, gnomAD 0.02%). This variant has not been reported in the literature in individuals affected with KIF1C-related conditions. ClinVar contains an entry for this variant (Variation ID: 655191). Invitae Evidence Modeling of protein sequence and biophysical properties (such as structural, functional, and spatial information, amino acid conservation, physicochemical variation, residue mobility, and thermodynamic stability) indicates that this missense variant is not expected to disrupt KIF1C protein function with a negative predictive value of 80%. In summary, the available evidence is currently insufficient to determine the role of this variant in disease. Therefore, it has been classified as a Variant of Uncertain Significance.